The following is an entry in ClinVar:

ClinVar aggregate classification (germline): Uncertain significance (1 of 4 stars; one submission).

gnomAD v4.1: 4 of 1,613,166 alleles (0.00025%); highest among the groups gnomAD compares: Non-Finnish European, 0.00025%; no homozygotes.

Submission:

GeneDx
Classification: Uncertain significance. Last evaluated: 2025-03-13. Review status: criteria provided, single submitter. Criteria: GeneDx Variant Classification Process June 2021. Collection method: clinical testing. Allele origin: germline. Affected: yes.
Comment: Not observed at significant frequency in large population cohorts (gnomAD); In silico analysis indicates that this variant does not alter splicing; Has not been previously published as pathogenic or benign to our knowledge

NM_207037.2(TCF12):c.972A>G (p.Gly324=)

Gene: TCF12 (transcription factor 12; plus strand). Cytogenetic location: 15q21.3.
Variant type: single nucleotide variant.
Coding change: c.972A>G on transcript NM_207037.2 (MANE Select); coding-DNA position 972, A replaced by G.
Protein change: p.Gly324=; no amino-acid change (glycine 324 retained).
Molecular consequence: synonymous variant.
Genome position (GRCh38, 1-based): chr15:57,234,044, A>G. VCF-style: chr15-57234044-A-G. GRCh37 (hg19) VCF-style: chr15-57526242-A-G.
Other names: c.462A>G, p.Gly154= (NM_001306219.3, NM_207040.2); c.264A>G, p.Gly88= (NM_001306220.3); c.972A>G, p.Gly324= (NM_001322151.2, NM_001322152.2, NM_001322157.3 and 7 more transcripts); c.315A>G, p.Gly105= (NM_001322154.2); c.798A>G, p.Gly266= (NM_001322156.2, NM_001322158.2); c.1008A>G, p.Gly336= (NM_001322164.2).
Identifiers: ClinVar variation 4083396 (VCV004083396.1).
Genomic context (GRCh38, chr15:57,234,044, plus strand): 5'-TGCTAAAATATAATACTTGCTTGTAAAATTCTTGATTTATTTCTCTATGAAATATCCAGG[A>G]ACCAGAGGGAATGCTGCTGGAAGCTCACAGACAGGTGATGCACTTGGAAAGGCTTTGGCA-3'
Protein context (NP_996920.1, residues 314-334): PPINGSDSIL[Gly324=]TRGNAAGSSQ